The following is an entry in ClinVar:

NM_018699.4(PRDM5):c.246del (p.Arg83fs)

Gene: PRDM5 (PR/SET domain 5; minus strand). Cytogenetic location: 4q27.
Variant type: Deletion.
Coding change: c.246del on transcript NM_018699.4 (MANE Select); coding-DNA position 246, one base deleted (T; older notation c.246delT).
Protein change: p.Arg83fs; shifts the reading frame from arginine 83.
Molecular consequence: frameshift variant.
Genome position (GRCh38, 1-based): chr4:120,853,472, A deleted on the plus strand (T on the coding strand, the reverse complement: PRDM5 is on the minus strand); the first of 2 consecutive A bases (chr4:120,853,472-120,853,473); deleting either gives the same sequence. VCF-style (leftmost placement, unchanged base first): chr4-120853471-GA-G. GRCh37 (hg19) VCF-style: chr4-121774626-GA-G.
Other names: c.246del, p.Arg83fs (NM_001300823.2, NM_001300824.2, NM_001379104.1 and 1 more transcripts); short protein forms R83fs.
Identifiers: ClinVar variation 2698393 (VCV002698393.3), dbSNP rs2478750306, ClinGen allele CA2697546900.

ClinVar aggregate classification (germline): Pathogenic (1 of 4 stars; one submission).

Submission:

Labcorp Genetics (formerly Invitae), Labcorp
Classification: Pathogenic. Last evaluated: 2023-11-24. Review status: criteria provided, single submitter. Criteria: Invitae Variant Classification Sherloc (09022015). Collection method: clinical testing. Allele origin: germline.
Comment: This sequence change creates a premature translational stop signal (p.Arg83Alafs*31) in the PRDM5 gene. It is expected to result in an absent or disrupted protein product. Loss-of-function variants in PRDM5 are known to be pathogenic (PMID: 21664999, 26395458). This variant is not present in population databases (gnomAD no frequency). This variant has not been reported in the literature in individuals affected with PRDM5-related conditions. For these reasons, this variant has been classified as Pathogenic.

Literature cited by the submitters: PubMed 21664999; PubMed 26395458.